The following is an entry in ClinVar:

NM_000091.5(COL4A3):c.2083G>A (p.Gly695Arg)

Genes: COL4A3 (collagen type IV alpha 3 chain; plus strand), MFF-DT (MFF divergent transcript; minus strand). Cytogenetic location: 2q36.3.
Variant type: single nucleotide variant.
Coding change: c.2083G>A on transcript NM_000091.5 (MANE Select); coding-DNA position 2083, G replaced by A.
Protein change: p.Gly695Arg; replaces glycine 695 with arginine.
Molecular consequence: missense variant.
Genome position (GRCh38, 1-based): chr2:227,277,511, G>A. VCF-style: chr2-227277511-G-A. GRCh37 (hg19) VCF-style: chr2-228142227-G-A.
Other names: p.Gly695Arg; p.(Gly695Arg); c.2083G>A (LRG_230t1); short protein forms G695R.
Identifiers: ClinVar variation 369964 (VCV000369964.64), dbSNP rs200287952, ClinGen allele CA2146849.

ClinVar aggregate classification (germline): Pathogenic/Likely pathogenic. Review status: criteria provided, multiple submitters, no conflicts (2 of 4 stars). 26 submissions from 25 submitters: Pathogenic (13); Likely pathogenic (7). 6 of the submissions do not count toward it. Last evaluated 2026-08-13.

Conditions:
Alport syndrome 3b, autosomal recessive. Identifiers: MedGen C5882699, MONDO:0957811, OMIM 620536.
Autosomal recessive Alport syndrome (ATS2). Also called: Alport syndrome type 2; ALPORT SYNDROME 2, AUTOSOMAL RECESSIVE; COL4A3-Related Nephropathy; COL4A4 Alport Syndrome and Thin Basement Membrane Nephropathy. Identifiers: Orphanet 63, Orphanet 88919, MedGen C4746745, MONDO:0008762, OMIM 203780.
Benign familial hematuria. Also called: thin basement membrane disease. Identifiers: MedGen C0241908, MONDO:0957317.
Autosomal dominant Alport syndrome (ATS3A). Also called: ALPORT SYNDROME 3A, AUTOSOMAL DOMINANT; Alport syndrome dominant type; Renal failure and sensorineural hearing loss. Identifiers: Orphanet 63, Orphanet 88918, MedGen C5882663, MONDO:0007086, OMIM 104200.
Hematuria, benign familial, 2 (BFH2). Identifiers: MedGen C5830421, MONDO:0958186, OMIM 620320.
Kidney disorder. Also called: Kidney disease; Kidney Diseases; renal disorder; Nephropathy; renal disease. Identifiers: MedGen C0022658, MONDO:0005240, HP:0000112.
Alport syndrome. Also called: Hemorrhagic familial nephritis; Hemorrhagic hereditary nephritis; Congenital hereditary hematuria. Identifiers: Orphanet 63, MedGen C1567741, MONDO:0018965.
Hematuria. Identifiers: MedGen C0018965, HP:0000790.
COL4A3-related disorder. Also called: COL4A3-related condition; COL4A3-Related Disorders.

Allele frequency attached by ClinVar (database versions not stated): gnomAD exomes 0.00011 and 0.00017; gnomAD 0.00014 and 0.00016; TOPMed 0.00014; ExAC 0.00016; ESP Exome Variant Server 0.00017.
gnomAD v4.1: 271 of 1,612,506 alleles (0.017%); highest among the groups gnomAD compares: Non-Finnish European, 0.022%; no homozygotes.

Submissions 1 to 7 of 26:

GeneDx
Classification: Likely pathogenic. Last evaluated: 2026-08-13. Review status: criteria provided, single submitter. Criteria: GeneDx Variant Classification Process June 2021. Collection method: clinical testing. Allele origin: germline.
Comment: Observed in multiple unrelated patients from different ethnic backgrounds with Alport syndrome and/or thin basement membrane nephropathy, and/or focal segmental glomerulosclerosis and hearing loss, and/or steroid-resistant nephrotic syndrome referred for genetic testing at GeneDx and in published literature (PMID: 23325022, 24052634, 25229338, 24130771, 14871398, 29854973, 40282368, 24033287, 33838161, 40004525, 35372954, 36117978); Affects a glycine residue in a Gly-X-Y motif in the triple helical region of the COL4A3 gene; In silico analysis supports that this missense variant has a deleterious effect on protein structure/function; This variant is associated with the following publications: (PMID: 38707809, 40003707, 30406062, 30476138, 38972501, 33635378, 25525159, 24854265, 29854973, 26833262, 14871398, 24130771, 25229338, 23325022, 15880327, 29098738, 24052634, 32647767, 31589614, 35177655, 34746741, 34883493, 34400539, 34662886, 33040356, 33654185, 32939031, 33712733, 36938085, 35325889, 36925663, 39810285, 38214412, 39951344, 40237890, 28780565, 40004525, 42329778, 42433664, 40282368, 24033287, 35372954, 36117978, 33838161)

PreventionGenetics, part of Exact Sciences
Classification: Pathogenic for COL4A3-related condition. Last evaluated: 2026-06-24. Review status: criteria provided, single submitter. Criteria: ACMG Guidelines, 2015. Collection method: clinical testing. Allele origin: germline.
Comment: The COL4A3 c.2083G>A variant is predicted to result in the amino acid substitution p.Gly695Arg. This variant occurs at the conserved triple helical domain (residues 43-1438) of the COL4A3 protein, where substitutions of the glycine (Gly) residue are usually pathogenic (Hudson et al. 1993. PubMed ID: 8253711). This variant has been reported in both the heterozygous and compound heterozygous states in association with autosomal dominant (AD) and recessive (AR) COL4A3-related Alport syndrome spectrum disorders (see for example, AD with likely incomplete penetrance in Wang et al. 2004. PubMed ID: 14871398; AD in Malone et al. 2014. PubMed ID: 25229338; AD in Supplementary Data of Doreille et al. 2023. PubMed ID: 36938085; AR in Storey et al. 2013. PubMed ID: 24052634). This variant is reported in 0.021% of alleles in individuals of European (Non-Finnish) descent in gnomAD. This variant is interpreted as pathogenic for both autosomal dominant and recessive COL4A3-related Alport syndrome spectrum disorders.

Victorian Clinical Genetics Services, Murdoch Childrens Research Institute
Classification: Pathogenic for Alport syndrome. Last evaluated: 2026-05-29. Review status: criteria provided, single submitter. Criteria: ACMG Guidelines, 2015. Collection method: clinical testing. Allele origin: germline. Affected: yes.
Comment: This variant is classified as Pathogenic. Evidence in support of pathogenic classification: Variant is present in gnomAD <0.01 (v4: 271 heterozygote(s), 0 homozygote(s)); This variant has very strong previous evidence of pathogenicity in unrelated individuals. This variant has been classified as pathogenic or likely pathogenic by multiple clinical laboratories in ClinVar. It has also been reported as pathogenic in a heterozygous or compound heterozygous state in multiple affected individuals, and shown to segregate with disease in a heterozygous state in families with either thin basement membrane nephropathy or Alport syndrome (PMIDs: 30476138; 14871398; 29854973; 24130771; 24052634; 25229338; 23325022; 29098738; 32647767); Variant is located in the well-established Gly-X-Y motif in the collagen triple helical domain (DECIPHER); Missense variant predicted to be damaging by in silico tool(s) or highly conserved with a major amino acid change. Additional information: Variant is predicted to result in a missense amino acid change from Gly to Arg; This variant is heterozygous; This gene is associated with both recessive and dominant Alport syndrome (MONDO:0018965), COL4A3-related; Dominant negative and loss of function are known mechanisms of disease in this gene and are associated with Alport syndrome (MONDO:0018965), COL4A3-related. Glycine changes that are part of a G-X-Y repeat in the triple helix of a collagen domain are known to have a dominant negative effect (PMID: 12028435); Inheritance information for this variant is not currently available in this individual.

Centre de Génétique Humaine, Institut de Pathologie Et de Génétique
Classification: Pathogenic for Alport syndrome 3b, autosomal recessive. Last evaluated: 2026-02-26. Review status: criteria provided, single submitter. Criteria: ACMG Guidelines, 2015. Collection method: clinical testing. Allele origin: paternal, maternal, germline. Inheritance: Autosomal recessive inheritance. Affected: yes. Observed: 5 variant alleles, 4 compound heterozygotes, 1 homozygote. Clinical features observed: Microscopic hematuria (HP:0002907), Proteinuria (HP:0000093), Hematuria (HP:0000790), Sensorineural hearing loss disorder (HP:0000407), Stage 3 chronic kidney disease (HP:0012625). Segregation with disease observed.
Comment: This missense variant involves a highly conserved glycine located in a ‘Gly-X-Y’ motif in collagenous region, which is characteristic of the pathogenic variants identified in the COL4A3 gene (PM1,PP2). This variant is rare: allelic frequency of 0.016% in gnomAD v4.1.0 database (PM2); In silico analysis supports that this missense variant has a deleterious effect (PP3). Detected in patients with AR and AD Alport S. In PMID: 37849993, description of phenotypes of 161 patients harbouring this variant (PS4,PP5)

Centre de Génétique Humaine, Institut de Pathologie Et de Génétique
Classification: Pathogenic for Autosomal dominant Alport syndrome; Hematuria, benign familial, 2. Last evaluated: 2026-02-26. Review status: criteria provided, single submitter. Criteria: ACMG Guidelines, 2015. Collection method: clinical testing. Allele origin: germline, paternal, maternal. Inheritance: Autosomal dominant inheritance. Affected: yes. Observed: 29 variant alleles, 29 heterozygotes. Clinical features observed: Microscopic hematuria (HP:0002907), Proteinuria (HP:0000093), Hypertensive disorder (HP:0000822), Stage 5 chronic kidney disease (HP:0003774), Renal cyst (HP:0000107), Hematuria (HP:0000790), Stage 3 chronic kidney disease (HP:0012625), Stage 4 chronic kidney disease (HP:0012626), Stage 2 chronic kidney disease (HP:0012624), Sensorineural hearing loss disorder (HP:0000407). Segregation with disease observed.
Comment: the same text as in the submission from Centre de Génétique Humaine, Institut de Pathologie Et de Génétique above.

Labcorp Genetics (formerly Invitae), Labcorp
Classification: Pathogenic. Last evaluated: 2026-01-18. Review status: criteria provided, single submitter. Criteria: Invitae Variant Classification Sherloc (09022015). Collection method: clinical testing. Allele origin: germline.
Comment: This sequence change replaces glycine, which is neutral and non-polar, with arginine, which is basic and polar, at codon 695 of the COL4A3 protein (p.Gly695Arg). This variant is present in population databases (rs200287952, gnomAD 0.02%). This missense change has been observed in individuals with clinical features of Alport syndrome (PMID: 14871398, 24052634, 25229338, 29098738, 29854973; internal data). ClinVar contains an entry for this variant (Variation ID: 369964). Invitae Evidence Modeling of protein sequence and biophysical properties (such as structural, functional, and spatial information, amino acid conservation, physicochemical variation, residue mobility, and thermodynamic stability) indicates that this missense variant is expected to disrupt COL4A3 protein function with a positive predictive value of 80%. For these reasons, this variant has been classified as Pathogenic.

Genetics Laboratory, Great Ormond Street Hospital NHS Foundation Trust, North Thames Genomic Laboratory Hub
Classification: Pathogenic for Haematuria. Last evaluated: 2026-01-14. Review status: criteria provided, single submitter. Criteria: ACGS Best Practice Guidelines for Variant Classification in Rare Disease 2024 v1.2. Collection method: clinical testing. Allele origin: germline. Affected: yes.
Comment: PS4_moderate, PP3_supporting, PM1_strong, PP1_moderate, PP4_supporting